The following is an entry in ClinVar:

ClinVar aggregate classification (germline): Benign. Review status: criteria provided, multiple submitters, no conflicts (2 of 4 stars). 3 submissions from 3 submitters: Benign (3). Last evaluated 2018-11-12.

Conditions:
Congenital stationary night blindness 1A (CSNB1A). Also called: Night blindness, congenital stationary (complete), 1A, X-linked; CSNB, COMPLETE, X-LINKED; HEMERALOPIA-MYOPIA; MYOPIA-NIGHT BLINDNESS; NIGHT BLINDNESS, CONGENITAL STATIONARY, WITH MYOPIA; NYX-Related X-Linked Congenital Stationary Night Blindness. Identifiers: Orphanet 215, MedGen C3495587, MONDO:0010690, OMIM 310500.

Allele frequency attached by ClinVar (database versions not stated): TOPMed 0.28135; gnomAD 0.28288 and 0.29458; 1000 Genomes Project 30x 0.36524; 1000 Genomes Project 0.37219.
gnomAD v4.1: 119,817 of 349,570 alleles (34%); highest among the groups gnomAD compares: South Asian, 58%; 15,207 homozygotes.

Submissions (3):

GeneDx
Classification: Benign. Last evaluated: 2018-11-12. Review status: criteria provided, single submitter. Criteria: GeneDx Variant Classification Process June 2021. Collection method: clinical testing. Allele origin: germline. Affected: yes.

Illumina Laboratory Services, Illumina
Classification: Benign for Congenital stationary night blindness 1A. Last evaluated: 2017-04-27. Review status: criteria provided, single submitter. Criteria: ICSL Variant Classification Criteria 13 December 2019. Collection method: clinical testing. Allele origin: germline.
Comment: This variant was observed as part of a predisposition screen in an ostensibly healthy population. A literature search was performed for the gene, cDNA change, and amino acid change (where applicable). No publications were found based on this search. Allele frequency data from public databases was too high to be consistent with this variant causing disease. Therefore, this variant is classified as benign.

Breakthrough Genomics
Classification: Benign. Review status: criteria provided, single submitter. Criteria: ACMG Guidelines, 2015. Collection method: not provided. Allele origin: germline. Inheritance: X-linked inheritance. Affected: yes.

NM_001378477.3(NYX):c.-57+60A>G

Gene: NYX (nyctalopin; plus strand). Cytogenetic location: Xp11.4.
Variant type: single nucleotide variant.
Coding change: c.-57+60A>G on transcript NM_001378477.3 (MANE Select); 60 bases into the intron after 57 bases upstream of the start codon, A replaced by G.
Molecular consequence: intron variant. On other transcripts: 5 prime UTR variant (1).
Genome position (GRCh38, 1-based): chrX:41,447,576, A>G. VCF-style: chrX-41447576-A-G. GRCh37 (hg19) VCF-style: chrX-41306829-A-G.
Other names: c.-329A>G (NM_022567.3).
Identifiers: ClinVar variation 368265 (VCV000368265.7), dbSNP rs3013121, ClinGen allele CA10653913.